The following is an entry in ClinVar:

ClinVar aggregate classification (germline): Likely benign. Review status: criteria provided, multiple submitters, no conflicts (2 of 4 stars). 2 submissions from 2 submitters: Likely benign (2). Last evaluated 2026-06-01.

Conditions:
Inborn genetic diseases. Identifiers: MedGen C0950123, MeSH D030342.

Allele frequency attached by ClinVar (database versions not stated): ExAC 0.00023; 1000 Genomes Project 30x 0.00031; TOPMed 0.00047; gnomAD 0.00057; ESP Exome Variant Server 0.00058; gnomAD exomes 0.00078.
gnomAD v4.1: 1,249 of 1,605,518 alleles (0.078%); highest among the groups gnomAD compares: Non-Finnish European, 0.096%; 1 homozygote.

Submissions (2):

CeGaT Center for Human Genetics Tuebingen
Classification: Likely benign. Last evaluated: 2026-06-01. Review status: criteria provided, single submitter. Criteria: CeGaT Center For Human Genetics Tuebingen Variant Classification Criteria Version 2. Collection method: clinical testing. Allele origin: germline. Affected: yes. Observed: 1 variant allele.
Comment: ZNF699: BP4, BS2

Ambry Genetics
Classification: Likely benign for Inborn genetic diseases. Last evaluated: 2022-08-02. Review status: criteria provided, single submitter. Criteria: Ambry Variant Classification Scheme 2023. Collection method: clinical testing. Allele origin: germline.

NM_198535.3(ZNF699):c.182C>T (p.Pro61Leu)

Gene: ZNF699 (zinc finger protein 699; minus strand). Cytogenetic location: 19p13.2.
Variant type: single nucleotide variant.
Coding change: c.182C>T on transcript NM_198535.3 (MANE Select); coding-DNA position 182, C replaced by T.
Protein change: p.Pro61Leu; replaces proline 61 with leucine.
Molecular consequence: missense variant.
Genome position (GRCh38, 1-based): chr19:9,297,984, G>A on the plus strand (C>T on the coding strand, the complement: ZNF699 is on the minus strand). VCF-style: chr19-9297984-G-A. GRCh37 (hg19) VCF-style: chr19-9408660-G-A.
Other names: short protein forms P61L.
Identifiers: ClinVar variation 2249396 (VCV002249396.4), dbSNP rs201119977, ClinGen allele CA9176202.
Genomic context (GRCh38, chr19:9,297,984, plus strand): 5'-TTCACTGTCTGCAGGTCCTCCTCTTGTTCCCACTGGGAGATCAGATGGGGTGTGTGTAGC[G>A]GATACCCTGCACAAGCAGAAAGGCATATCACGAGGGAAAATAATGAAGAATCACTAACAT-3'
Protein context (NP_940937.1, residues 51-71): NFQNLASLGY[Pro61Leu]LHTPHLISQW